The following is an entry in ClinVar:

ClinVar aggregate classification (germline): Uncertain significance. Review status: criteria provided, multiple submitters, no conflicts (2 of 4 stars). 3 submissions from 3 submitters: Uncertain significance (3). Last evaluated 2025-04-10.

Conditions:
Congenital myasthenic syndrome 8. Also called: MYASTHENIC SYNDROME, CONGENITAL, DUE TO AGRIN DEFICIENCY; Myasthenic syndrome, congenital, 8, with pre- and postsynaptic defects. Identifiers: Orphanet 590, MedGen C3808739, MONDO:0014052, OMIM 615120.
Inborn genetic diseases. Identifiers: MedGen C0950123, MeSH D030342.

Allele frequency attached by ClinVar (database versions not stated): TOPMed 0.00002; gnomAD exomes 0.00003; gnomAD 0.00001.
gnomAD v4.1: 8 of 1,415,326 alleles (0.00057%); highest among the groups gnomAD compares: Admixed American, 0.011%; no homozygotes.

Submissions (3):

Ambry Genetics
Classification: Uncertain significance for Inborn genetic diseases. Last evaluated: 2025-04-10. Review status: criteria provided, single submitter. Criteria: Ambry Variant Classification Scheme 2023. Collection method: clinical testing. Allele origin: germline.

Labcorp Genetics (formerly Invitae), Labcorp
Classification: Uncertain significance for Congenital myasthenic syndrome 8. Last evaluated: 2022-03-26. Review status: criteria provided, single submitter. Criteria: Invitae Variant Classification Sherloc (09022015). Collection method: clinical testing. Allele origin: germline.
Comment: In summary, the available evidence is currently insufficient to determine the role of this variant in disease. Therefore, it has been classified as a Variant of Uncertain Significance. Algorithms developed to predict the effect of missense changes on protein structure and function are either unavailable or do not agree on the potential impact of this missense change (SIFT: "Tolerated"; PolyPhen-2: "Not Available"; Align-GVGD: "Class C0"). ClinVar contains an entry for this variant (Variation ID: 388958). This variant has not been reported in the literature in individuals affected with AGRN-related conditions. This variant is present in population databases (no rsID available, gnomAD 0.03%). This sequence change replaces leucine, which is neutral and non-polar, with phenylalanine, which is neutral and non-polar, at codon 17 of the AGRN protein (p.Leu17Phe).

GeneDx
Classification: Uncertain significance. Last evaluated: 2016-09-07. Review status: criteria provided, single submitter. Criteria: GeneDx Variant Classification (06012015). Collection method: clinical testing. Allele origin: germline. Affected: yes.
Comment: The L17F variant in the AGRN gene has not been reported previously as a pathogenic variant, nor asa benign variant, to our knowledge. The L17F variant was not observed in approximately 2700individuals of European and African American ancestry in the NHLBI Exome Sequencing Project,indicating it is not a common benign variant in these populations. This substitution occurs at aposition that is conserved in mammals. However, the L17F variant is a conservative amino acidsubstitution, which is not likely to impact secondary protein structure as these residues share similarproperties and in silico analysis predicts this variant likely does not alter the proteinstructure/function. We interpret L17F as a variant of uncertain significance.

NM_198576.4(AGRN):c.49C>T (p.Leu17Phe)

Gene: AGRN (agrin; plus strand). Cytogenetic location: 1p36.33.
Variant type: single nucleotide variant.
Coding change: c.49C>T on transcript NM_198576.4 (MANE Select); coding-DNA position 49, C replaced by T.
Protein change: p.Leu17Phe; replaces leucine 17 with phenylalanine.
Molecular consequence: missense variant.
Genome position (GRCh38, 1-based): chr1:1,020,221, C>T. VCF-style: chr1-1020221-C-T. GRCh37 (hg19) VCF-style: chr1-955601-C-T.
Other names: c.49C>T, p.Leu17Phe (NM_001305275.2); short protein forms L17F.
Identifiers: ClinVar variation 388958 (VCV000388958.7), dbSNP rs1057523287, ClinGen allele CA16603367.